The following is an entry in ClinVar:

NM_014244.5(ADAMTS2):c.1723C>T (p.Arg575Cys)

Gene: ADAMTS2 (ADAM metallopeptidase with thrombospondin type 1 motif 2; minus strand). Cytogenetic location: 5q35.3.
Variant type: single nucleotide variant.
Coding change: c.1723C>T on transcript NM_014244.5 (MANE Select); coding-DNA position 1723, C replaced by T.
Protein change: p.Arg575Cys; replaces arginine 575 with cysteine.
Molecular consequence: missense variant.
Genome position (GRCh38, 1-based): chr5:179,139,942, G>A on the plus strand (C>T on the coding strand, the complement: ADAMTS2 is on the minus strand). VCF-style: chr5-179139942-G-A. GRCh37 (hg19) VCF-style: chr5-178566943-G-A.
Other names: short protein forms R575C.
Identifiers: ClinVar variation 469666 (VCV000469666.7), dbSNP rs1212597027, ClinGen allele CA362428003.

ClinVar aggregate classification (germline): Uncertain significance. Review status: criteria provided, multiple submitters, no conflicts (2 of 4 stars). 3 submissions from 3 submitters: Uncertain significance (2). 1 of the submissions does not count toward it. Last evaluated 2023-11-29.

Conditions:
Ehlers-Danlos syndrome, dermatosparaxis type. Also called: EDS VIIC; Dermatosparaxis; Ehlers-Danlos syndrome, type VII, autosomal recessive. Identifiers: Orphanet 1901, MedGen C2700425, MONDO:0009161, OMIM 225410.

Allele frequency attached by ClinVar (database versions not stated): gnomAD exomes below 0.00001 and 0.00001; gnomAD 0.00001; TOPMed 0.00002.
gnomAD v4.1: 6 of 1,613,244 alleles (0.00037%); highest among the groups gnomAD compares: African/African-American, 0.0013%; no homozygotes.

Submissions (3):

GeneDx
Classification: Uncertain significance. Last evaluated: 2023-11-29. Review status: criteria provided, single submitter. Criteria: GeneDx Variant Classification Process June 2021. Collection method: clinical testing. Allele origin: germline. Affected: yes.
Comment: Not observed at significant frequency in large population cohorts (gnomAD); In silico analysis supports that this missense variant has a deleterious effect on protein structure/function; Has not been previously published as pathogenic or benign to our knowledge

Labcorp Genetics (formerly Invitae), Labcorp
Classification: Uncertain significance for Ehlers-Danlos syndrome, dermatosparaxis type. Last evaluated: 2023-07-10. Review status: criteria provided, single submitter. Criteria: Invitae Variant Classification Sherloc (09022015). Collection method: clinical testing. Allele origin: germline.
Comment: This sequence change replaces arginine, which is basic and polar, with cysteine, which is neutral and slightly polar, at codon 575 of the ADAMTS2 protein (p.Arg575Cys). This variant is present in population databases (no rsID available, gnomAD 0.005%). This variant has not been reported in the literature in individuals affected with ADAMTS2-related conditions. ClinVar contains an entry for this variant (Variation ID: 469666). An algorithm developed to predict the effect of missense changes on protein structure and function (PolyPhen-2) suggests that this variant is likely to be disruptive. In summary, the available evidence is currently insufficient to determine the role of this variant in disease. Therefore, it has been classified as a Variant of Uncertain Significance.

Natera, Inc.
Classification: Uncertain significance for Ehlers-Danlos syndrome type VIIC. Last evaluated: 2020-07-10. Review status: no assertion criteria provided. Collection method: clinical testing. Allele origin: germline. Not counted in ClinVar's aggregate classification.